The following is an entry in ClinVar:

NM_206937.2(LIG4):c.2519T>C (p.Ile840Thr)

Gene: LIG4 (DNA ligase 4; minus strand). Cytogenetic location: 13q33.3.
Variant type: single nucleotide variant.
Coding change: c.2519T>C on transcript NM_206937.2 (MANE Select); coding-DNA position 2519, T replaced by C.
Protein change: p.Ile840Thr; replaces isoleucine 840 with threonine.
Molecular consequence: missense variant.
Genome position (GRCh38, 1-based): chr13:108,208,750, A>G on the plus strand (T>C on the coding strand, the complement: LIG4 is on the minus strand). VCF-style: chr13-108208750-A-G. GRCh37 (hg19) VCF-style: chr13-108861098-A-G.
Other names: c.2318T>C, p.Ile773Thr (NM_001330595.2); c.2519T>C, p.Ile840Thr (NM_001352598.2, NM_001352599.2, NM_001352600.2 and 6 more transcripts); c.2555T>C, p.Ile852Thr (NM_001352604.2); short protein forms I852T, I840T, I773T.
Identifiers: ClinVar variation 1494567 (VCV001494567.8), dbSNP rs2138966585, ClinGen allele CA388612715.

ClinVar aggregate classification (germline): Uncertain significance (1 of 4 stars; one submission).

Conditions:
DNA ligase IV deficiency. Identifiers: Orphanet 99812, MedGen C1847827, MONDO:0011686, OMIM 606593.

Submission:

Labcorp Genetics (formerly Invitae), Labcorp
Classification: Uncertain significance for DNA ligase IV deficiency. Last evaluated: 2023-10-03. Review status: criteria provided, single submitter. Criteria: Invitae Variant Classification Sherloc (09022015). Collection method: clinical testing. Allele origin: germline.
Comment: This sequence change replaces isoleucine, which is neutral and non-polar, with threonine, which is neutral and polar, at codon 840 of the LIG4 protein (p.Ile840Thr). This variant is not present in population databases (gnomAD no frequency). This variant has not been reported in the literature in individuals affected with LIG4-related conditions. ClinVar contains an entry for this variant (Variation ID: 1494567). Algorithms developed to predict the effect of missense changes on protein structure and function output the following: SIFT: "Not Available"; PolyPhen-2: "Benign"; Align-GVGD: "Not Available". The threonine amino acid residue is found in multiple mammalian species, which suggests that this missense change does not adversely affect protein function. In summary, the available evidence is currently insufficient to determine the role of this variant in disease. Therefore, it has been classified as a Variant of Uncertain Significance.